The following is an entry in ClinVar:

NM_005664.4(MKRN3):c.1082G>T (p.Cys361Phe)

Gene: MKRN3 (makorin ring finger protein 3; plus strand). Cytogenetic location: 15q11.2.
Variant type: single nucleotide variant.
Coding change: c.1082G>T on transcript NM_005664.4 (MANE Select); coding-DNA position 1082, G replaced by T.
Protein change: p.Cys361Phe; replaces cysteine 361 with phenylalanine.
Molecular consequence: missense variant.
Genome position (GRCh38, 1-based): chr15:23,566,864, G>T. VCF-style: chr15-23566864-G-T. GRCh37 (hg19) VCF-style: chr15-23812011-G-T.
Other names: short protein forms C361F.
Identifiers: ClinVar variation 2443540 (VCV002443540.1), dbSNP rs2503861571, ClinGen allele CA391456290.

ClinVar aggregate classification (germline): Uncertain significance (1 of 4 stars; one submission).

Submission:

GeneDx
Classification: Uncertain significance. Last evaluated: 2022-09-12. Review status: criteria provided, single submitter. Criteria: GeneDx Variant Classification Process June 2021. Collection method: clinical testing. Allele origin: germline. Affected: yes.
Comment: Not observed at significant frequency in large population cohorts (gnomAD); In silico analysis supports that this missense variant has a deleterious effect on protein structure/function; Has not been previously published as pathogenic or benign to our knowledge